The following is an entry in ClinVar:

ClinVar aggregate classification (germline): Likely pathogenic (1 of 4 stars; one submission).

Conditions:
Cardiovascular phenotype. Identifiers: MedGen CN230736.

Submission:

Ambry Genetics
Classification: Likely pathogenic for Cardiovascular phenotype. Last evaluated: 2026-02-10. Review status: criteria provided, single submitter. Criteria: Ambry Variant Classification Scheme 2023. Collection method: clinical testing. Allele origin: germline.
Comment: The c.69363delC variant, located in coding exon 174 of the TTN gene, results from a deletion of one nucleotide at nucleotide position 69363, causing a translational frameshift with a predicted alternate stop codon (p.I23122Lfs*23). This exon is located in the A-band region of the N2-B isoform of the titin protein and is constitutively expressed in TTN transcripts (percent spliced in or PSI 100%). This variant is considered to be rare based on population cohorts in the Genome Aggregation Database (gnomAD). This variant is expected to result in loss of function by premature protein truncation or nonsense-mediated mRNA decay. While truncating variants in TTN are present in 1-3% of the general population, truncating variants in the A-band are the most common cause of dilated cardiomyopathy (Herman DS et al. N. Engl. J. Med., 2012 Feb;366:619-28; Roberts AM et al. Sci Transl Med, 2015 Jan;7:270ra6). TTN truncating variants encoded in constitutive exons (PSI >90%) have been found to be significantly associated with DCM regardless of their position in titin (Schafer S et al. Nat. Genet., 2017 01;49:46-53; Akhtar MM et al. Circ Heart Fail, 2020 Oct;13:e006832; Massier M et al. Clin Genet, 2025 Jan). Based on the majority of available evidence to date, this variant is likely to be pathogenic.

NM_001267550.2(TTN):c.96558del (p.Ile32187fs)

Genes: TTN (titin; minus strand), TTN-AS1 (TTN antisense RNA 1; plus strand), LOC126806421 (CDK7 strongly-dependent group 2 enhancer GRCh37_chr2:179407630-179408829; plus strand). Cytogenetic location: 2q31.2.
Variant type: Deletion.
Coding change: c.96558del on transcript NM_001267550.2 (MANE Select); coding-DNA position 96558, one base deleted (C; older notation c.96558delC).
Protein change: p.Ile32187fs; shifts the reading frame from isoleucine 32187.
Molecular consequence: frameshift variant.
Genome position (GRCh38, 1-based): chr2:178,543,415, G deleted on the plus strand (C on the coding strand, the reverse complement: TTN is on the minus strand). VCF-style (leftmost placement, unchanged base first): chr2-178543414-TG-T. GRCh37 (hg19) VCF-style: chr2-179408141-TG-T.
Other names: c.91635del, p.Ile30546fs (NM_001256850.1); c.69363del, p.Ile23122fs (NM_003319.4); c.88854del, p.Ile29619fs (NM_133378.4); c.69738del, p.Ile23247fs (NM_133432.3); c.69939del, p.Ile23314fs (NM_133437.4); c.69363delC (NM_003319.4); short protein forms I30546fs, I32187fs, I23122fs, I23247fs, I23314fs, I29619fs.
Identifiers: ClinVar variation 4824743 (VCV004824743.1).
Genomic context (GRCh38, chr2:178,543,414, plus strand): 5'-CAGGCACCAAAGGCACTTCTGAGACCAGTACTGCATCAGATGTTTCACAAGGTTCTCCAA[TG>T]CCATAAATATTTTCTGGCAGCACTCTGAAATAGTACATGGTTCCTTCTACAAGTCCAGAA-3'